The following is an entry in ClinVar:

ClinVar aggregate classification (germline): Uncertain significance (1 of 4 stars; one submission).

Conditions:
Acute myeloid leukemia (AML). Also called: Acute myeloid leukemia, adult; AML adult; Acute non-lymphocytic leukemia; Acute granulocytic leukemia; Leukemia, acute myeloid, somatic; Leukemia, acute myelogenous, somatic. Identifiers: Orphanet 519, MedGen C0023467, MeSH D015470, MONDO:0018874, OMIM 601626, HP:0004808. Disease mechanism: Constitutively activated FLT3.

Submission:

Labcorp Genetics (formerly Invitae), Labcorp
Classification: Uncertain significance for Acute myeloid leukemia. Last evaluated: 2022-11-24. Review status: criteria provided, single submitter. Criteria: Invitae Variant Classification Sherloc (09022015). Collection method: clinical testing. Allele origin: germline.
Comment: In summary, the available evidence is currently insufficient to determine the role of this variant in disease. Therefore, it has been classified as a Variant of Uncertain Significance. This variant has not been reported in the literature in individuals affected with CEBPA-related conditions. This variant is not present in population databases (gnomAD no frequency). This sequence change affects codon 315 of the CEBPA mRNA. It is a 'silent' change, meaning that it does not change the encoded amino acid sequence of the CEBPA protein.

NM_004364.5(CEBPA):c.943C>T (p.Leu315=)

Gene: CEBPA (CCAAT enhancer binding protein alpha; minus strand). Cytogenetic location: 19q13.11.
Variant type: single nucleotide variant.
Coding change: c.943C>T on transcript NM_004364.5 (MANE Select); coding-DNA position 943, C replaced by T.
Protein change: p.Leu315=; no amino-acid change (leucine 315 retained).
Molecular consequence: synonymous variant.
Genome position (GRCh38, 1-based): chr19:33,301,472, G>A on the plus strand (C>T on the coding strand, the complement: CEBPA is on the minus strand). VCF-style: chr19-33301472-G-A. GRCh37 (hg19) VCF-style: chr19-33792378-G-A.
Other names: c.586C>T, p.Leu196= (NM_001285829.2); c.1048C>T, p.Leu350= (NM_001287424.2); c.901C>T, p.Leu301= (NM_001287435.2).
Identifiers: ClinVar variation 2816374 (VCV002816374.3), dbSNP rs2145258835, ClinGen allele CA507007010.